The following is an entry in ClinVar:

ClinVar aggregate classification (germline): Uncertain significance (1 of 4 stars; one submission).

Conditions:
Early-infantile DEE. Also called: Ohtahara syndrome; Early infantile epileptic encephalopathy with suppression bursts; Early infantile epileptic encephalopathy. Identifiers: Orphanet 1934, MedGen C0393706, MONDO:0800491.

Allele frequency attached by ClinVar (database versions not stated): ExAC 0.00005; ESP Exome Variant Server 0.00008; gnomAD 0.00009 and 0.00010; TOPMed 0.00009; 1000 Genomes Project 0.00040; 1000 Genomes Project 30x 0.00047.
gnomAD v4.1: 35 of 1,613,934 alleles (0.0022%); highest among the groups gnomAD compares: African/African-American, 0.028%; no homozygotes.

Submission:

Labcorp Genetics (formerly Invitae), Labcorp
Classification: Uncertain significance for Early-infantile DEE. Last evaluated: 2025-12-08. Review status: criteria provided, single submitter. Criteria: Invitae Variant Classification Sherloc (09022015). Collection method: clinical testing. Allele origin: germline.
Comment: This sequence change replaces arginine, which is basic and polar, with cysteine, which is neutral and slightly polar, at codon 718 of the ARHGEF15 protein (p.Arg718Cys). This variant is present in population databases (rs199891313, gnomAD 0.02%). This variant has not been reported in the literature in individuals affected with ARHGEF15-related conditions. ClinVar contains an entry for this variant (Variation ID: 845091). An algorithm developed to predict the effect of missense changes on protein structure and function outputs the following: PolyPhen-2: "Benign". The cysteine amino acid residue is found in multiple mammalian species, which suggests that this missense change does not adversely affect protein function. In summary, the available evidence is currently insufficient to determine the role of this variant in disease. Therefore, it has been classified as a Variant of Uncertain Significance.

NM_173728.4(ARHGEF15):c.2152C>T (p.Arg718Cys)

Gene: ARHGEF15 (Rho guanine nucleotide exchange factor 15; plus strand). Cytogenetic location: 17p13.1.
Variant type: single nucleotide variant.
Coding change: c.2152C>T on transcript NM_173728.4 (MANE Select); coding-DNA position 2152, C replaced by T.
Protein change: p.Arg718Cys; replaces arginine 718 with cysteine.
Molecular consequence: missense variant.
Genome position (GRCh38, 1-based): chr17:8,319,125, C>T. VCF-style: chr17-8319125-C-T. GRCh37 (hg19) VCF-style: chr17-8222443-C-T.
Other names: c.2152C>T, p.Arg718Cys (NM_025014.2); short protein forms R718C.
Identifiers: ClinVar variation 845091 (VCV000845091.10), dbSNP rs199891313, ClinGen allele CA8375429.